The following is an entry in ClinVar:

NM_001018113.3(FANCB):c.69T>C (p.Leu23=)

Gene: FANCB (FA complementation group B; minus strand). Cytogenetic location: Xp22.2.
Variant type: single nucleotide variant.
Coding change: c.69T>C on transcript NM_001018113.3 (MANE Select); coding-DNA position 69, T replaced by C.
Protein change: p.Leu23=; no amino-acid change (leucine 23 retained).
Molecular consequence: synonymous variant. On other transcripts: non-coding transcript variant (1).
Genome position (GRCh38, 1-based): chrX:14,865,442, A>G on the plus strand (T>C on the coding strand, the complement: FANCB is on the minus strand). VCF-style: chrX-14865442-A-G. GRCh37 (hg19) VCF-style: chrX-14883564-A-G.
Other names: c.69T>C, p.Leu23= (NM_001324162.2, NM_152633.4).
Identifiers: ClinVar variation 368035 (VCV000368035.59), dbSNP rs151173533, ClinGen allele CA10353235.

ClinVar aggregate classification (germline): Benign/Likely benign. Review status: criteria provided, multiple submitters, no conflicts (2 of 4 stars). 7 submissions from 6 submitters: Benign (3); Likely benign (4). Last evaluated 2026-02-01.

Conditions:
VACTERL association, X-linked, with or without hydrocephalus (VACTERLX). Also called: X-linked VACTERL-H syndrome; VACTERL ASSOCIATION, X-LINKED; VACTERL Association with Hydrocephalus, X-linked; VACTERL-H, X-LINKED. Identifiers: Orphanet 3412, MedGen C2931228, MONDO:0010752, OMIM 314390.
Fanconi anemia (FA). Also called: Fanconi's anemia. Identifiers: Orphanet 84, MedGen C0015625, MeSH D005199, MONDO:0019391.
Fanconi anemia complementation group B (FANCB). Also called: FANCB-Related Fanconi Anemia; FANCONI PANCYTOPENIA, TYPE 2. Identifiers: Orphanet 84, MedGen C1845292, MONDO:0010351, OMIM 300514.

Allele frequency attached by ClinVar (database versions not stated): ESP Exome Variant Server 0.00104; gnomAD 0.00046 and 0.00047; ExAC 0.00047; gnomAD exomes 0.00049 and 0.00077; TOPMed 0.00055.
gnomAD v4.1: 892 of 1,208,857 alleles (0.074%); highest among the groups gnomAD compares: Non-Finnish European, 0.095%; 1 homozygote.

Submissions (7):

Labcorp Genetics (formerly Invitae), Labcorp
Classification: Benign for Fanconi anemia. Last evaluated: 2026-02-01. Review status: criteria provided, single submitter. Criteria: Invitae Variant Classification Sherloc (09022015). Collection method: clinical testing. Allele origin: germline.

Blueprint Genetics
Classification: Likely benign. Last evaluated: 2024-10-23. Review status: criteria provided, single submitter. Criteria: ACMG Guidelines, 2015. Collection method: clinical testing. Allele origin: germline.

Sema4
Classification: Likely benign for Fanconi anemia. Last evaluated: 2021-03-04. Review status: criteria provided, single submitter. Criteria: Sema4 Curation Guidelines. Collection method: curation. Allele origin: germline.

CeGaT Center for Human Genetics Tuebingen
Classification: Likely benign. Last evaluated: 2018-09-01. Review status: criteria provided, single submitter. Criteria: CeGaT Center For Human Genetics Tuebingen Variant Classification Criteria Version 2. Collection method: clinical testing. Allele origin: germline. Affected: yes. Observed: 1 variant allele.

Illumina Laboratory Services, Illumina
Classification: Benign for VACTERL association with hydrocephaly, X-linked. Last evaluated: 2018-01-13. Review status: criteria provided, single submitter. Criteria: ICSL Variant Classification Criteria 13 December 2019. Collection method: clinical testing. Allele origin: germline.
Comment: This variant was observed in the ICSL laboratory as part of a predisposition screen in an ostensibly healthy population. It had not been previously curated by ICSL or reported in the Human Gene Mutation Database (HGMD: prior to June 1st, 2018), and was therefore a candidate for classification through an automated scoring system. Utilizing variant allele frequency, disease prevalence and penetrance estimates, and inheritance mode, an automated score was calculated to assess if this variant is too frequent to cause the disease. Based on the score and internal cut-off values, a variant classified as benign is not then subjected to further curation. The score for this variant resulted in a classification of benign for this disease.

Illumina Laboratory Services, Illumina
Classification: Benign for Fanconi anemia complementation group B. Last evaluated: 2018-01-13. Review status: criteria provided, single submitter. Criteria: ICSL Variant Classification Criteria 13 December 2019. Collection method: clinical testing. Allele origin: germline.
Comment: the same text as in the submission from Illumina Laboratory Services, Illumina above.

Breakthrough Genomics
Classification: Likely benign. Review status: criteria provided, single submitter. Criteria: ACMG Guidelines, 2015. Collection method: not provided. Allele origin: germline. Inheritance: X-linked recessive inheritance. Affected: yes.